The following is an entry in ClinVar:

NM_001145026.2(PTPRQ):c.910+1135T>C

Gene: PTPRQ (protein tyrosine phosphatase receptor type Q; plus strand). Cytogenetic location: 12q21.31.
Variant type: single nucleotide variant.
Coding change: c.910+1135T>C on transcript NM_001145026.2 (MANE Select); 1135 bases into the intron after coding-DNA position 910, T replaced by C.
Molecular consequence: intron variant.
Genome position (GRCh38, 1-based): chr12:80,462,037, T>C. VCF-style: chr12-80462037-T-C. GRCh37 (hg19) VCF-style: chr12-80855816-T-C.
Identifiers: ClinVar variation 3388164 (VCV003388164.14).

ClinVar aggregate classification (germline): Likely benign (1 of 4 stars; one submission).

gnomAD v4.1: 2,057 of 701,128 alleles (0.29%); highest among the groups gnomAD compares: Admixed American, 0.47%; 14 homozygotes.

Submission:

CeGaT Center for Human Genetics Tuebingen
Classification: Likely benign. Last evaluated: 2024-09-01. Review status: criteria provided, single submitter. Criteria: CeGaT Center For Human Genetics Tuebingen Variant Classification Criteria Version 2. Collection method: clinical testing. Allele origin: germline. Affected: yes. Observed: 1 variant allele.
Comment: PTPRQ: BS2